The following is an entry in ClinVar:

ClinVar aggregate classification (germline): Uncertain significance. Review status: criteria provided, multiple submitters, no conflicts (2 of 4 stars). 2 submissions from 2 submitters: Uncertain significance (2). Last evaluated 2024-07-02.

Conditions:
Inborn genetic diseases. Identifiers: MedGen C0950123, MeSH D030342.

Submissions (2):

Ambry Genetics
Classification: Uncertain significance for Inborn genetic diseases. Last evaluated: 2024-07-02. Review status: criteria provided, single submitter. Criteria: Ambry Variant Classification Scheme 2023. Collection method: clinical testing. Allele origin: germline.

GeneDx
Classification: Uncertain significance. Last evaluated: 2022-08-30. Review status: criteria provided, single submitter. Criteria: GeneDx Variant Classification Process June 2021. Collection method: clinical testing. Allele origin: germline. Affected: yes.
Comment: Not observed at significant frequency in large population cohorts (gnomAD); In silico analysis supports that this missense variant has a deleterious effect on protein structure/function; Has not been previously published as pathogenic or benign to our knowledge

NM_052867.4(NALCN):c.1717C>T (p.Pro573Ser)

Gene: NALCN (sodium leak channel, non-selective; minus strand). Cytogenetic location: 13q33.1.
Variant type: single nucleotide variant.
Coding change: c.1717C>T on transcript NM_052867.4 (MANE Select); coding-DNA position 1717, C replaced by T.
Protein change: p.Pro573Ser; replaces proline 573 with serine.
Molecular consequence: missense variant.
Genome position (GRCh38, 1-based): chr13:101,191,964, G>A on the plus strand (C>T on the coding strand, the complement: NALCN is on the minus strand). VCF-style: chr13-101191964-G-A. GRCh37 (hg19) VCF-style: chr13-101844315-G-A.
Other names: c.1717C>T, p.Pro573Ser (NM_001350748.2, NM_001350749.2); c.1630C>T, p.Pro544Ser (NM_001350750.2, NM_001350751.2); short protein forms P544S, P573S.
Identifiers: ClinVar variation 1307584 (VCV001307584.4), dbSNP rs2039700087, ClinGen allele CA388703459.
Genomic context (GRCh38, chr13:101,191,964, plus strand): 5'-ATGCTGAACTCACCAGAGTGGCAAAAAGATGATAGAGAATGAAATAGATGGCAACCACGG[G>A]TGCCCACATATGTCCCACAGCATTTAGAGTTTGGTCCATTACGTCCACCCATCCTTCCTG-3'
Protein context (NP_443099.1, residues 563-583): TLNAVGHMWA[Pro573Ser]VVAIYFILYH